The following is an entry in ClinVar:

ClinVar aggregate classification (germline): Uncertain significance. Review status: criteria provided, multiple submitters, no conflicts (2 of 4 stars). 2 submissions from 2 submitters: Uncertain significance (2). Last evaluated 2025-09-11.

Allele frequency attached by ClinVar (database versions not stated): gnomAD exomes 0.00005; TOPMed 0.00005; ExAC 0.00008; gnomAD 0.00008.
gnomAD v4.1: 82 of 1,613,670 alleles (0.0051%); highest among the groups gnomAD compares: Non-Finnish European, 0.0064%; no homozygotes.

Submissions (2):

Labcorp Genetics (formerly Invitae), Labcorp
Classification: Uncertain significance. Last evaluated: 2025-09-11. Review status: criteria provided, single submitter. Criteria: Invitae Variant Classification Sherloc (09022015). Collection method: clinical testing. Allele origin: germline.
Comment: This sequence change replaces arginine, which is basic and polar, with glutamine, which is neutral and polar, at codon 1395 of the NYNRIN protein (p.Arg1395Gln). This variant is present in population databases (rs769950057, gnomAD 0.01%). This variant has not been reported in the literature in individuals affected with NYNRIN-related conditions. ClinVar contains an entry for this variant (Variation ID: 2369682). Experimental studies and prediction algorithms are not available or were not evaluated, and the functional significance of this variant is currently unknown. In summary, the available evidence is currently insufficient to determine the role of this variant in disease. Therefore, it has been classified as a Variant of Uncertain Significance.

Ambry Genetics
Classification: Uncertain significance. Last evaluated: 2022-06-09. Review status: criteria provided, single submitter. Criteria: Ambry Variant Classification Scheme 2023. Collection method: clinical testing. Allele origin: germline.

NM_025081.3(NYNRIN):c.4184G>A (p.Arg1395Gln)

Gene: NYNRIN (NYN domain and retroviral integrase containing; plus strand). Cytogenetic location: 14q12.
Variant type: single nucleotide variant.
Coding change: c.4184G>A on transcript NM_025081.3 (MANE Select); coding-DNA position 4184, G replaced by A.
Protein change: p.Arg1395Gln; replaces arginine 1395 with glutamine.
Molecular consequence: missense variant.
Genome position (GRCh38, 1-based): chr14:24,415,933, G>A. VCF-style: chr14-24415933-G-A. GRCh37 (hg19) VCF-style: chr14-24885139-G-A.
Other names: short protein forms R1395Q.
Identifiers: ClinVar variation 2369682 (VCV002369682.3), dbSNP rs769950057, ClinGen allele CA7137377.